The following is an entry in ClinVar:

ClinVar aggregate classification (germline): Uncertain significance (1 of 4 stars; one submission).

gnomAD v4.1: 2 of 1,404,804 alleles (0.00014%); highest among the groups gnomAD compares: Admixed American, 0.0034%; no homozygotes.

Submission:

Women's Health and Genetics/Laboratory Corporation of America, LabCorp
Classification: Uncertain significance. Last evaluated: 2026-04-07. Review status: criteria provided, single submitter. Criteria: LabCorp Variant Classification Summary - May 2015. Collection method: clinical testing. Allele origin: germline.
Comment: Variant summary: SOX4 c.562G>A (p.Gly188Ser) results in a non-conservative amino acid change in the encoded protein sequence. Algorithms developed to predict the effect of missense changes on protein structure and function are either unavailable or do not agree on the potential impact of this missense change. The variant allele was found at a frequency of 4.4e-05 in 22720 control chromosomes. The available data on variant occurrences in the general population are insufficient to allow any conclusion about variant significance. To our knowledge, no occurrence of c.562G>A in individuals affected with SOX4-related conditions and no experimental evidence demonstrating its impact on protein function have been reported. No submitters have cited clinical-significance assessments for this variant to ClinVar. Based on the evidence outlined above, the variant was classified as uncertain significance.

NM_003107.3(SOX4):c.562G>A (p.Gly188Ser)

Gene: SOX4 (SRY-box transcription factor 4; plus strand). Cytogenetic location: 6p22.3.
Variant type: single nucleotide variant.
Coding change: c.562G>A on transcript NM_003107.3 (MANE Select); coding-DNA position 562, G replaced by A.
Protein change: p.Gly188Ser; replaces glycine 188 with serine.
Molecular consequence: missense variant.
Genome position (GRCh38, 1-based): chr6:21,595,096, G>A. VCF-style: chr6-21595096-G-A. GRCh37 (hg19) VCF-style: chr6-21595327-G-A.
Other names: short protein forms G188S.
Identifiers: ClinVar variation 4848843 (VCV004848843.1).